The following is an entry in ClinVar:

ClinVar aggregate classification (germline): Likely benign. Review status: criteria provided, single submitter (1 of 4 stars). 2 submissions from 2 submitters: Likely benign (1). 1 of the submissions does not count toward it. Last evaluated 2025-01-28.

Conditions:
TMTC3-related disorder. Also called: TMTC3-related condition.

Allele frequency attached by ClinVar (database versions not stated): gnomAD exomes below 0.00001; ExAC 0.00001; gnomAD 0.00001; TOPMed 0.00002.

Submissions (2):

Labcorp Genetics (formerly Invitae), Labcorp
Classification: Likely benign. Last evaluated: 2025-01-28. Review status: criteria provided, single submitter. Criteria: Invitae Variant Classification Sherloc (09022015). Collection method: clinical testing. Allele origin: germline.

PreventionGenetics, part of Exact Sciences
Classification: Likely benign for TMTC3-related condition. Last evaluated: 2022-12-07. Review status: no assertion criteria provided. Collection method: clinical testing. Allele origin: germline. Not counted in ClinVar's aggregate classification.
Comment: This variant is classified as likely benign based on ACMG/AMP sequence variant interpretation guidelines (Richards et al. 2015 PMID: 25741868, with internal and published modifications).

NM_181783.4(TMTC3):c.786A>G (p.Pro262=)

Gene: TMTC3 (transmembrane O-mannosyltransferase targeting cadherins 3; plus strand). Cytogenetic location: 12q21.32.
Variant type: single nucleotide variant.
Coding change: c.786A>G on transcript NM_181783.4 (MANE Select); coding-DNA position 786, A replaced by G.
Protein change: p.Pro262=; no amino-acid change (proline 262 retained).
Molecular consequence: synonymous variant. On other transcripts: non-coding transcript variant (1).
Genome position (GRCh38, 1-based): chr12:88,160,840, A>G. VCF-style: chr12-88160840-A-G. GRCh37 (hg19) VCF-style: chr12-88554617-A-G.
Other names: c.606A>G, p.Pro202= (NM_001366574.1); c.567A>G, p.Pro189= (NM_001366579.1); c.519A>G, p.Pro173= (NM_001366580.1); c.93A>G, p.Pro31= (NM_001366583.1).
Identifiers: ClinVar variation 3055108 (VCV003055108.4), dbSNP rs760320102, ClinGen allele CA6713132.